The following is an entry in ClinVar:

NM_006063.3(KLHL41):c.1218A>C (p.Lys406Asn)

Gene: KLHL41 (kelch like family member 41; plus strand). Cytogenetic location: 2q31.1.
Variant type: single nucleotide variant.
Coding change: c.1218A>C on transcript NM_006063.3 (MANE Select); coding-DNA position 1218, A replaced by C.
Protein change: p.Lys406Asn; replaces lysine 406 with asparagine.
Molecular consequence: missense variant.
Genome position (GRCh38, 1-based): chr2:169,514,681, A>C. VCF-style: chr2-169514681-A-C. GRCh37 (hg19) VCF-style: chr2-170371191-A-C.
Other names: p.Lys406Asn; short protein forms K406N.
Identifiers: ClinVar variation 4540694 (VCV004540694.1).
Genomic context (GRCh38, chr2:169,514,681, plus strand): 5'-AGCCAGGTGTCTCTTCGGTCTGGGAGAGGTGGATGATAAAATCTATGTAGTTGCAGGCAA[A>C]GACCTTCAAACAGAGGCTTCGCTGGATTCAGTATTATGCTATGATCCTGTGTAAGTTGGC-3'
Protein context (NP_006054.2, residues 396-416): VDDKIYVVAG[Lys406Asn]DLQTEASLDS

ClinVar aggregate classification (germline): Uncertain significance (1 of 4 stars; one submission).

Submission:

Mayo Clinic Laboratories, Mayo Clinic
Classification: Uncertain significance. Last evaluated: 2025-12-05. Review status: criteria provided, single submitter. Criteria: ACMG Guidelines, 2015. Collection method: clinical testing. Allele origin: germline. Observed: 1 variant allele.
Comment: PM2_supporting